The following is an entry in ClinVar:

NM_000036.3(AMPD1):c.116C>A (p.Ser39Tyr)

Gene: AMPD1 (adenosine monophosphate deaminase 1; minus strand). Cytogenetic location: 1p13.2.
Variant type: single nucleotide variant.
Coding change: c.116C>A on transcript NM_000036.3 (MANE Select); coding-DNA position 116, C replaced by A.
Protein change: p.Ser39Tyr; replaces serine 39 with tyrosine.
Molecular consequence: missense variant.
Genome position (GRCh38, 1-based): chr1:114,688,660, G>T on the plus strand (C>A on the coding strand, the complement: AMPD1 is on the minus strand). VCF-style: chr1-114688660-G-T. GRCh37 (hg19) VCF-style: chr1-115231281-G-T.
Other names: c.104C>A, p.Ser35Tyr (NM_001172626.2); c.215C>A (NM_000036.2); short protein forms S39Y, S35Y.
Identifiers: ClinVar variation 1364687 (VCV001364687.8), dbSNP rs758334449, ClinGen allele CA1020553.

ClinVar aggregate classification (germline): Uncertain significance. Review status: criteria provided, multiple submitters, no conflicts (2 of 4 stars). 3 submissions from 3 submitters: Uncertain significance (3). Last evaluated 2025-04-18.

Conditions:
Inborn genetic diseases. Identifiers: MedGen C0950123, MeSH D030342.
Muscle AMP deaminase deficiency (MMDD). Also called: Myoadenylate deaminase deficiency, myopathy due to; Adenosine monophosphate deaminase 1 deficiency; AMP deaminase 1 deficiency; Adenosine Monophosphate Deaminase 1; ADENOSINE MONOPHOSPHATE DEAMINASE-1 DEFICIENCY, MYOPATHY DUE TO; AMPD1 DEFICIENCY. Identifiers: Orphanet 45, MedGen C3714933, MONDO:0014220, OMIM 615511.

Allele frequency attached by ClinVar (database versions not stated): gnomAD exomes 0.00001 and 0.00003; TOPMed 0.00004; ExAC 0.00007.
gnomAD v4.1: 39 of 1,614,082 alleles (0.0024%); highest among the groups gnomAD compares: Admixed American, 0.0083%; no homozygotes.

Submissions (3):

Ambry Genetics
Classification: Uncertain significance for Inborn genetic diseases. Last evaluated: 2025-04-18. Review status: criteria provided, single submitter. Criteria: Ambry Variant Classification Scheme 2023. Collection method: clinical testing. Allele origin: germline.

Blueprint Genetics
Classification: Uncertain significance. Last evaluated: 2024-10-01. Review status: criteria provided, single submitter. Criteria: ACMG Guidelines, 2015. Collection method: clinical testing. Allele origin: germline.

Labcorp Genetics (formerly Invitae), Labcorp
Classification: Uncertain significance for Muscle AMP deaminase deficiency. Last evaluated: 2023-10-13. Review status: criteria provided, single submitter. Criteria: Invitae Variant Classification Sherloc (09022015). Collection method: clinical testing. Allele origin: germline.
Comment: This sequence change replaces serine, which is neutral and polar, with tyrosine, which is neutral and polar, at codon 72 of the AMPD1 protein (p.Ser72Tyr). This variant is present in population databases (rs758334449, gnomAD 0.009%). This variant has not been reported in the literature in individuals affected with AMPD1-related conditions. ClinVar contains an entry for this variant (Variation ID: 1364687). An algorithm developed to predict the effect of missense changes on protein structure and function (PolyPhen-2) suggests that this variant is likely to be disruptive. In summary, the available evidence is currently insufficient to determine the role of this variant in disease. Therefore, it has been classified as a Variant of Uncertain Significance.